The following is an entry in ClinVar:

ClinVar aggregate classification (germline): Uncertain significance. Review status: criteria provided, multiple submitters, no conflicts (2 of 4 stars). 4 submissions from 4 submitters: Uncertain significance (4). Last evaluated 2026-01-13.

Conditions:
Atrial conduction disease. Identifiers: Orphanet 436242, MedGen CN221670, MONDO:0014500.
Inborn genetic diseases. Identifiers: MedGen C0950123, MeSH D030342.

Allele frequency attached by ClinVar (database versions not stated): ExAC 0.00001; gnomAD 0.00002; TOPMed 0.00002; gnomAD exomes 0.00012.
gnomAD v4.1: 172 of 1,563,608 alleles (0.011%); highest among the groups gnomAD compares: Non-Finnish European, 0.015%; no homozygotes.

Submissions (4):

Labcorp Genetics (formerly Invitae), Labcorp
Classification: Uncertain significance. Last evaluated: 2026-01-13. Review status: criteria provided, single submitter. Criteria: Invitae Variant Classification Sherloc (09022015). Collection method: clinical testing. Allele origin: germline.
Comment: This sequence change replaces lysine, which is basic and polar, with glutamine, which is neutral and polar, at codon 440 of the TNNI3K protein (p.Lys440Gln). This variant is present in population databases (rs201637938, gnomAD 0.007%). This variant has not been reported in the literature in individuals affected with TNNI3K-related conditions. ClinVar contains an entry for this variant (Variation ID: 2143051). Invitae Evidence Modeling of protein sequence and biophysical properties (such as structural, functional, and spatial information, amino acid conservation, physicochemical variation, residue mobility, and thermodynamic stability) indicates that this missense variant is not expected to disrupt TNNI3K protein function with a negative predictive value of 80%. In summary, the available evidence is currently insufficient to determine the role of this variant in disease. Therefore, it has been classified as a Variant of Uncertain Significance.

Blueprint Genetics
Classification: Uncertain significance. Last evaluated: 2024-03-12. Review status: criteria provided, single submitter. Criteria: ACMG Guidelines, 2015. Collection method: clinical testing. Allele origin: germline.

Genome-Nilou Lab
Classification: Uncertain significance for Cardiac conduction disease with or without dilated cardiomyopathy 1. Last evaluated: 2023-04-11. Review status: criteria provided, single submitter. Criteria: ACMG Guidelines, 2015. Collection method: clinical testing. Allele origin: germline. Affected: no.

Ambry Genetics
Classification: Uncertain significance for Inborn genetic diseases. Last evaluated: 2022-12-05. Review status: criteria provided, single submitter. Criteria: Ambry Variant Classification Scheme 2023. Collection method: clinical testing. Allele origin: germline.

NM_015978.3(TNNI3K):c.1318A>C (p.Lys440Gln)

Genes: FPGT-TNNI3K (FPGT-TNNI3K readthrough; plus strand), TNNI3K (TNNI3 interacting kinase; plus strand). Cytogenetic location: 1p31.1.
Variant type: single nucleotide variant.
Coding change: c.1318A>C on transcript NM_015978.3 (MANE Select); coding-DNA position 1318, A replaced by C.
Protein change: p.Lys440Gln; replaces lysine 440 with glutamine.
Molecular consequence: missense variant.
Genome position (GRCh38, 1-based): chr1:74,367,961, A>C. VCF-style: chr1-74367961-A-C. GRCh37 (hg19) VCF-style: chr1-74833645-A-C.
Other names: c.1621A>C, p.Lys541Gln (NM_001112808.3, NM_001199327.2); short protein forms K440Q, K541Q.
Identifiers: ClinVar variation 2143051 (VCV002143051.7), dbSNP rs201637938, ClinGen allele CA909230.